The following is an entry in ClinVar:

NM_000214.3(JAG1):c.1353dup (p.Asn452Ter)

Gene: JAG1 (jagged canonical Notch ligand 1; minus strand). Cytogenetic location: 20p12.2.
Variant type: Duplication.
Coding change: c.1353dup on transcript NM_000214.3 (MANE Select); coding-DNA position 1353, one base duplicated (T; older notation c.1353dupT).
Protein change: p.Asn452Ter; replaces asparagine 452 with a stop codon.
Molecular consequence: nonsense.
Genome position (GRCh38, 1-based): chr20:10,649,103, A duplicated on the plus strand (T on the coding strand, the reverse complement: JAG1 is on the minus strand); the first of 2 consecutive A bases (chr20:10,649,103-10,649,104); duplicating either gives the same sequence. VCF-style (leftmost placement, unchanged base first): chr20-10649102-T-TA. GRCh37 (hg19) VCF-style: chr20-10629750-T-TA.
Other names: c.1353dup, p.Asn452Ter (LRG_1191t1); short protein forms N452*.
Identifiers: ClinVar variation 406868 (VCV000406868.6), dbSNP rs1060501347, ClinGen allele CA16616235.

ClinVar aggregate classification (germline): Pathogenic (1 of 4 stars; one submission).

Conditions:
Alagille syndrome due to a JAG1 point mutation. Also called: JAG1-Related Alagille Syndrome; HEPATIC DUCTULAR HYPOPLASIA, SYNDROMATIC; Alagille Syndrome 1. Identifiers: Orphanet 261619, Orphanet 52, MedGen C1956125, MONDO:0016862, OMIM 118450.

Submission:

Labcorp Genetics (formerly Invitae), Labcorp
Classification: Pathogenic for Alagille syndrome due to a JAG1 point mutation. Last evaluated: 2017-06-12. Review status: criteria provided, single submitter. Criteria: Invitae Variant Classification Sherloc (09022015). Collection method: clinical testing. Allele origin: germline.
Comment: This sequence change duplicates 1 nucleotide in exon 11 of the JAG1 mRNA (c.1353dupT), creating a premature translational stop signal at codon 452 (p.Asn452*). It is expected to result in an absent or disrupted protein product. While this particular variant has not been reported in the literature, loss-of-function variants in JAG1 are known to be pathogenic (PMID: 11180599, 12497640). For these reasons, this variant has been classified as Pathogenic.

Literature cited by the submitters: PubMed 11180599; PubMed 12497640.